The following is an entry in ClinVar:

NM_002485.5(NBN):c.565C>T (p.Gln189Ter)

Gene: NBN (nibrin; minus strand). Cytogenetic location: 8q21.3.
Variant type: single nucleotide variant.
Coding change: c.565C>T on transcript NM_002485.5 (MANE Select); coding-DNA position 565, C replaced by T.
Protein change: p.Gln189Ter; replaces glutamine 189 with a stop codon.
Molecular consequence: nonsense.
Genome position (GRCh38, 1-based): chr8:89,978,239, G>A on the plus strand (C>T on the coding strand, the complement: NBN is on the minus strand). VCF-style: chr8-89978239-G-A. GRCh37 (hg19) VCF-style: chr8-90990467-G-A.
Other names: c.319C>T, p.Gln107Ter (NM_001024688.3); short protein forms Q189*, Q107*.
Identifiers: ClinVar variation 492121 (VCV000492121.9), dbSNP rs1198614767, ClinGen allele CA371660147.

ClinVar aggregate classification (germline): Pathogenic/Likely pathogenic. Review status: criteria provided, multiple submitters, no conflicts (2 of 4 stars). 2 submissions from 2 submitters: Pathogenic (1); Likely pathogenic (1). Last evaluated 2023-09-10.

Conditions:
Microcephaly, normal intelligence and immunodeficiency (NBS). Also called: BERLIN BREAKAGE SYNDROME; Ataxia telangiectasia variant V1; IMMUNODEFICIENCY, MICROCEPHALY, AND CHROMOSOMAL INSTABILITY; SEEMANOVA SYNDROME II; Immunodeficiency, microcephaly with normal intelligence; Nijmegen breakage syndrome. Identifiers: Orphanet 647, MedGen C0398791, MONDO:0009623, OMIM 251260.
Aplastic anemia. Identifiers: Orphanet 182040, Orphanet 88, MedGen C0002874, MONDO:0015909, OMIM 609135, HP:0001915.

Submissions (2):

Labcorp Genetics (formerly Invitae), Labcorp
Classification: Pathogenic for Microcephaly, normal intelligence and immunodeficiency. Last evaluated: 2023-09-10. Review status: criteria provided, single submitter. Criteria: Invitae Variant Classification Sherloc (09022015). Collection method: clinical testing. Allele origin: germline.
Comment: This variant is not present in population databases (gnomAD no frequency). This sequence change creates a premature translational stop signal (p.Gln189*) in the NBN gene. It is expected to result in an absent or disrupted protein product. Loss-of-function variants in NBN are known to be pathogenic (PMID: 9590180, 16415040). ClinVar contains an entry for this variant (Variation ID: 492121). For these reasons, this variant has been classified as Pathogenic. This variant has not been reported in the literature in individuals affected with NBN-related conditions.

Baylor Genetics
Classification: Likely pathogenic for Aplastic anemia. Last evaluated: 2023-07-20. Review status: criteria provided, single submitter. Criteria: ACMG Guidelines, 2015. Collection method: clinical testing. Allele origin: unknown.

Literature cited by the submitters: PubMed 9590180 (cited by Labcorp Genetics (formerly Invitae), Labcorp); PubMed 16415040 (cited by Labcorp Genetics (formerly Invitae), Labcorp).